The following is an entry in ClinVar:

NM_000038.6(APC):c.2021dup (p.Leu674fs)

Gene: APC (APC regulator of Wnt signaling pathway; plus strand). Cytogenetic location: 5q22.2.
Variant type: Duplication.
Coding change: c.2021dup on transcript NM_000038.6 (MANE Select); coding-DNA position 2021, one base duplicated (T; older notation c.2021dupT).
Protein change: p.Leu674fs; shifts the reading frame from leucine 674.
Molecular consequence: frameshift variant.
Genome position (GRCh38, 1-based): chr5:112,837,615, T duplicated; the last of 3 consecutive T bases (chr5:112,837,613-112,837,615); duplicating any one gives the same sequence. VCF-style (leftmost placement, unchanged base first): chr5-112837612-G-GT. GRCh37 (hg19) VCF-style: chr5-112173309-G-GT.
Other names: c.2021dup, p.Leu674fs (NM_001127510.3, NM_001354895.2); c.1967dup, p.Leu656fs (NM_001127511.3); c.2075dup, p.Leu692fs (NM_001354896.2); c.2051dup, p.Leu684fs (NM_001354897.2); c.1946dup, p.Leu649fs (NM_001354898.2); c.1937dup, p.Leu646fs (NM_001354899.2); c.1898dup, p.Leu633fs (NM_001354900.2); c.1844dup, p.Leu615fs (NM_001354901.2); and 5 more; short protein forms L583fs, L649fs, L548fs, L646fs, L684fs, L391fs, L615fs, L656fs.
Identifiers: ClinVar variation 1444325 (VCV001444325.6), dbSNP rs2149858898, ClinGen allele CA2573138917.

ClinVar aggregate classification (germline): Pathogenic (1 of 4 stars; one submission).

Conditions:
Familial adenomatous polyposis 1 (FAP1). Also called: FAMILIAL ADENOMATOUS POLYPOSIS 1, ATTENUATED; POLYPOSIS, ADENOMATOUS INTESTINAL. Identifiers: MedGen C2713442, MONDO:0021056, OMIM 175100. Disease mechanism: loss of function.

Submission:

Labcorp Genetics (formerly Invitae), Labcorp
Classification: Pathogenic for Familial adenomatous polyposis 1. Last evaluated: 2021-09-01. Review status: criteria provided, single submitter. Criteria: Invitae Variant Classification Sherloc (09022015). Collection method: clinical testing. Allele origin: germline.
Comment: This sequence change creates a premature translational stop signal (p.Leu674Phefs*6) in the APC gene. While this is not anticipated to result in nonsense mediated decay, it is expected to disrupt the last 2170 amino acid(s) of the APC protein. This variant is not present in population databases (ExAC no frequency). This variant has not been reported in the literature in individuals affected with APC-related conditions. A different truncation (p.Tyr2645Lysfs*14) that lies downstream of this variant has been determined to be pathogenic (PMID: 9824584, 1316610, 27081525, 8381579, 22135120, Invitae). This suggests that deletion of this region of the APC protein is causative of disease. For these reasons, this variant has been classified as Pathogenic. This variant is expected to disrupt the EB1 and HDLG binding sites, which mediate interactions with the cytoskeleton (PMID: 15311282, 17293347). While functional studies have not been performed to directly test the effect on APC protein function, this suggests that disruption of the C-terminal portion of the protein is functionally important.

Literature cited by the submitters: PubMed 9824584; PubMed 1316610; PubMed 27081525; PubMed 8381579; PubMed 22135120; PubMed 15311282; PubMed 17293347.